The following is an entry in ClinVar:

NM_014915.3(ANKRD26):c.3250A>G (p.Arg1084Gly)

Gene: ANKRD26 (ankyrin repeat domain containing 26; minus strand). Cytogenetic location: 10p12.1.
Variant type: single nucleotide variant.
Coding change: c.3250A>G on transcript NM_014915.3 (MANE Select); coding-DNA position 3250, A replaced by G.
Protein change: p.Arg1084Gly; replaces arginine 1084 with glycine.
Molecular consequence: missense variant.
Genome position (GRCh38, 1-based): chr10:27,035,200, T>C on the plus strand (A>G on the coding strand, the complement: ANKRD26 is on the minus strand). VCF-style: chr10-27035200-T-C. GRCh37 (hg19) VCF-style: chr10-27324129-T-C.
Other names: c.3247A>G, p.Arg1083Gly (NM_001256053.2); short protein forms R1084G, R1083G.
Identifiers: ClinVar variation 3914018 (VCV003914018.1).
Genomic context (GRCh38, chr10:27,035,200, plus strand): 5'-TTTGGCTTAGGTCCTTTTGTACCCGTTCTAAACCCAAAGTCTTTTCTCTGAGGGCATCTC[T>C]CGTGTGATGGAACTCAATTTCTAGGCTATTGAGTTTACTTTCAGTTTTAAATAGTTGTTG-3'
Protein context (NP_055730.2, residues 1074-1094): NSLEIEFHHT[Arg1084Gly]DALREKTLGL

ClinVar aggregate classification (germline): Uncertain significance (1 of 4 stars; one submission).

Conditions:
Inborn genetic diseases. Identifiers: MedGen C0950123, MeSH D030342.

gnomAD v4.1: 1 of 1,614,102 alleles (0.000062%); highest among the groups gnomAD compares: South Asian, 0.0011%; no homozygotes.

Submission:

Ambry Genetics
Classification: Uncertain significance for Inborn genetic diseases. Last evaluated: 2025-05-02. Review status: criteria provided, single submitter. Criteria: Ambry Variant Classification Scheme 2023. Collection method: clinical testing. Allele origin: germline.
Comment: The p.R1084G variant (also known as c.3250A>G), located in coding exon 24 of the ANKRD26 gene, results from an A to G substitution at nucleotide position 3250. The arginine at codon 1084 is replaced by glycine, an amino acid with dissimilar properties. This amino acid position is conserved. In addition, this alteration is predicted to be tolerated by in silico analysis. Based on the available evidence, the clinical significance of this variant remains unclear.